The following is an entry in ClinVar:

NM_001267550.2(TTN):c.81937G>A (p.Gly27313Arg)

Genes: TTN (titin; minus strand), TTN-AS1 (TTN antisense RNA 1; plus strand). Cytogenetic location: 2q31.2.
Variant type: single nucleotide variant.
Coding change: c.81937G>A on transcript NM_001267550.2 (MANE Select); coding-DNA position 81937, G replaced by A.
Protein change: p.Gly27313Arg; replaces glycine 27313 with arginine.
Molecular consequence: missense variant.
Genome position (GRCh38, 1-based): chr2:178,564,195, C>T on the plus strand (G>A on the coding strand, the complement: TTN is on the minus strand). VCF-style: chr2-178564195-C-T. GRCh37 (hg19) VCF-style: chr2-179428922-C-T.
Other names: c.77014G>A, p.Gly25672Arg (NM_001256850.1); c.54742G>A, p.Gly18248Arg (NM_003319.4); c.74233G>A, p.Gly24745Arg (NM_133378.4); c.55117G>A, p.Gly18373Arg (NM_133432.3); c.55318G>A, p.Gly18440Arg (NM_133437.4); short protein forms G24745R, G27313R, G18440R, G18248R, G18373R, G25672R.
Identifiers: ClinVar variation 191882 (VCV000191882.1), dbSNP rs786205298, ClinGen allele CA237776.

ClinVar aggregate classification (germline): Uncertain significance (1 of 4 stars; one submission).

gnomAD v4.1: 1 of 1,613,606 alleles (0.000062%); highest among the groups gnomAD compares: Non-Finnish European, 0.000085%; no homozygotes.

Submission:

Biesecker Lab/Clinical Genomics Section, National Institutes of Health
Classification: Uncertain significance. Last evaluated: 2013-06-24. Review status: criteria provided, single submitter. Criteria: Ng et al. (Circ Cardiovasc Genet. 2013). Collection method: research. Allele origin: unknown. Observed: 1 variant allele. Study: ClinSeq.
Comment: The study set was not selected for affection status in relation to any cancer. Pathogenicity categories were based on literature curation. See Pubmed ID:23861362 for details.

Medical sequencing